The following is an entry in ClinVar:

ClinVar aggregate classification (germline): Uncertain significance. Review status: criteria provided, multiple submitters, no conflicts (2 of 4 stars). 4 submissions from 4 submitters: Uncertain significance (4). Last evaluated 2024-03-24.

Conditions:
Hereditary cancer-predisposing syndrome. Also called: Hereditary neoplastic syndrome; Hereditary Cancer Syndrome; Neoplastic Syndromes, Hereditary; Tumor predisposition. Identifiers: Orphanet 140162, MedGen C0027672, MeSH D009386, MONDO:0015356.
Familial adenomatous polyposis 2. Also called: MYH-associated polyposis; COLORECTAL ADENOMATOUS POLYPOSIS, AUTOSOMAL RECESSIVE; ADENOMAS, MULTIPLE COLORECTAL, AUTOSOMAL RECESSIVE; MUTYH-related attenuated familial adenomatous polyposis; Adenomas, multiple colorectal; FAP type 2. Identifiers: Orphanet 220460, Orphanet 247798, MedGen C3272841, MONDO:0012041, OMIM 608456.

Allele frequency attached by ClinVar (database versions not stated): gnomAD exomes below 0.00001; ExAC 0.00001; gnomAD 0.00001; TOPMed 0.00001.
gnomAD v4.1: 4 of 1,614,108 alleles (0.00025%); highest among the groups gnomAD compares: African/African-American, 0.004%; no homozygotes.

Submissions (4):

All of Us Research Program, National Institutes of Health
Classification: Uncertain significance for Familial adenomatous polyposis 2. Last evaluated: 2024-03-24. Review status: criteria provided, single submitter. Criteria: ACMG Guidelines, 2015. Collection method: clinical testing. Allele origin: germline. Inheritance: Autosomal recessive inheritance. Observed: 4 variant alleles, 4 heterozygotes.
Comment: This variant is located in the 3' untranslated region of the MUTYH protein. To our knowledge, functional studies have not been reported for this variant. This variant has not been reported in individuals affected with MUTYH-related disorders in the literature. This variant has been identified in 2/282892 chromosomes in the general population by the Genome Aggregation Database (gnomAD). The available evidence is insufficient to determine the role of this variant in disease conclusively. Therefore, this variant is classified as a Variant of Uncertain Significance.

This study involves interpretation of variants in research participants for the purpose of population health screening. Participant phenotype was not available at the time of variant classification. Additional details can be found in publication PMID: 35346344, PMCID: PMC8962531

Color Diagnostics, LLC DBA Color Health
Classification: Uncertain significance for Hereditary cancer-predisposing syndrome. Last evaluated: 2023-01-04. Review status: criteria provided, single submitter. Criteria: ACMG Guidelines, 2015. Collection method: clinical testing. Allele origin: germline.
Comment: This variant is located in the 3' untranslated region of the MUTYH protein. To our knowledge, functional studies have not been reported for this variant. This variant has not been reported in individuals affected with MUTYH-related disorders in the literature. This variant has been identified in 2/282892 chromosomes in the general population by the Genome Aggregation Database (gnomAD). The available evidence is insufficient to determine the role of this variant in disease conclusively. Therefore, this variant is classified as a Variant of Uncertain Significance.

Quest Diagnostics Nichols Institute San Juan Capistrano
Classification: Uncertain significance. Last evaluated: 2018-08-10. Review status: criteria provided, single submitter. Criteria: Quest Diagnostics criteria. Collection method: clinical testing. Allele origin: germline.

Ambry Genetics
Classification: Uncertain significance for Hereditary cancer-predisposing syndrome. Last evaluated: 2017-02-02. Review status: criteria provided, single submitter. Criteria: Ambry Variant Classification Scheme 2023. Collection method: clinical testing. Allele origin: germline.
Comment: The c.*4C>G variant is located in the 3' untranslated region (3&rsquo; UTR) of the MUTYH gene. This variant results from a C to G substitution 4 nucleotides after the termination codon of the MUTYH gene. This nucleotide position is not well conserved in available vertebrate species. Since supporting evidence is limited at this time, the clinical significance of this alteration remains unclear.

NM_001048174.2(MUTYH):c.*4C>G

Gene: MUTYH (mutY DNA glycosylase; minus strand). Cytogenetic location: 1p34.1.
Variant type: single nucleotide variant.
Coding change: c.*4C>G on transcript NM_001048174.2 (MANE Select); 4 bases downstream of the stop codon, C replaced by G.
Molecular consequence: 3 prime UTR variant. On other transcripts: non-coding transcript variant (2).
Genome position (GRCh38, 1-based): chr1:45,329,302, G>C on the plus strand (C>G on the coding strand, the complement: MUTYH is on the minus strand). VCF-style: chr1-45329302-G-C. GRCh37 (hg19) VCF-style: chr1-45794974-G-C.
Other names: c.*4C>G (NM_001048171.2, NM_001048172.2, NM_001048173.2 and 9 more transcripts).
Identifiers: ClinVar variation 479982 (VCV000479982.10), dbSNP rs758118037, ClinGen allele CA058348.